The following is an entry in ClinVar:

ClinVar aggregate classification (germline): Pathogenic (1 of 4 stars; one submission).

Submission:

Quest Diagnostics Nichols Institute San Juan Capistrano
Classification: Pathogenic. Last evaluated: 2024-02-05. Review status: criteria provided, single submitter. Criteria: ACMG/ClinGen CNV Guidelines, 2019. Collection method: clinical testing. Allele origin: unknown.
Comment: This duplication involves over 60 protein-coding genes, and a heterozygous duplication that lies within the current interval has been reported in literature (Silipigni 2017). There are no similar copy number gains of this region in the general populations of the Database of Genomic Variants. Thus, based on gene count and current medical literature, this CNV is classified as pathogenic. References: Silipigni et al., Cytogenet Genome Res. 2017;153(2):73-80. PMID: 29258113

GRCh37/hg19 1q42.13-43(chr1:228803269-243112182)x3

Genes: URB2 (URB2 ribosome biogenesis homolog; plus strand), WDR64 (WD repeat domain 64; plus strand), ZP4 (zona pellucida glycoprotein 4; minus strand), ABCB10 (ATP binding cassette subfamily B member 10; minus strand), ACTA1 (actin alpha 1, skeletal muscle; minus strand) and 64 more. Cytogenetic location: 1q42.13-43.
Variant type: copy number gain.
Change: copy number 3 (three copies instead of two) of chr1:228,803,269-243,112,182 (14.31 Mb, GRCh37 coordinates, 1-based), cytogenetic band 1q42.13-43.
Identifiers: ClinVar variation 3391841 (VCV003391841.1).